The following is an entry in ClinVar:

Conditions:
Breast-ovarian cancer, familial, susceptibility to, 1 (BROVCA1). Also called: BRCA1 Hereditary Breast and Ovarian Cancer; OVARIAN CANCER, SUSCEPTIBILITY TO. Identifiers: Orphanet 145, MedGen C2676676, MONDO:0011450, OMIM 604370. Disease mechanism: loss of function.

Allele frequency attached by ClinVar (database versions not stated): gnomAD exomes below 0.00001; gnomAD 0.00001.
gnomAD v4.1: 2 of 1,610,588 alleles (0.00012%); highest among the groups gnomAD compares: Non-Finnish European, 0.00017%; no homozygotes.

Submission:

Brotman Baty Institute, University of Washington
No classification provided (evidence only). Condition: Breast-ovarian cancer, familial 1. Review status: no classification provided. Collection method: in vitro. Allele origin: not applicable. Functional consequence: functionally_normal.
ClinVar note: "not provided" was previously submitted as the classification for the variant. However, the classification appeared to be based only on an observation of functional data so it was converted to no classification on 2025-07-30.

NM_007294.4(BRCA1):c.5332+21C>G

Gene: BRCA1 (BRCA1 DNA repair associated; minus strand). Cytogenetic location: 17q21.31.
Variant type: single nucleotide variant.
Coding change: c.5332+21C>G on transcript NM_007294.4 (MANE Select); 21 bases into the intron after coding-DNA position 5332, C replaced by G.
Molecular consequence: intron variant.
Genome position (GRCh38, 1-based): chr17:43,051,042, G>C on the plus strand (C>G on the coding strand, the complement: BRCA1 is on the minus strand). VCF-style: chr17-43051042-G-C. GRCh37 (hg19) VCF-style: chr17-41203059-G-C.
Other names: c.5326+21C>G (NM_001407628.1, NM_001407637.1, NM_001407641.1 and 14 more transcripts); c.5329+21C>G (NM_001407860.1, NM_001407611.1, NM_001407624.1 and 17 more transcripts); c.5392+21C>G (NM_001407590.1, NM_001407591.1); c.1897+21C>G (NM_001408443.1, NM_001408439.1, NM_001408434.1 and 10 more transcripts); c.1900+21C>G (NM_001408425.1, NM_001408428.1, NM_001408429.1 and 4 more transcripts); c.5203+21C>G (NM_001407681.1, NM_001407687.1, NM_001407941.1 and 6 more transcripts); c.5206+21C>G (NM_001407675.1, NM_001407680.1, NM_001407672.1 and 10 more transcripts); c.5209+21C>G (NM_001407664.1, NM_001407666.1, NM_001407937.1 and 5 more transcripts); and 74 more.
Identifiers: ClinVar variation 868009 (VCV000868009.3), dbSNP rs1187854390, ClinGen allele CA626077221.
Genomic context (GRCh38, chr17:43,051,042, plus strand): 5'-ATCGTGGGATCTTGCTTATAATACTCCACTATGTAAGACAAAGGCTGGTGCTGGAACTCT[G>C]GGGTTCTCCCAGGCTCTTACCTGTGGGCATGTTGGTGAAGGGCCCATAGCAACAGATTTC-3'